The following is an entry in ClinVar:

NM_001048174.2(MUTYH):c.841C>T (p.Arg281Cys)

Gene: MUTYH (mutY DNA glycosylase; minus strand). Cytogenetic location: 1p34.1.
Variant type: single nucleotide variant.
Coding change: c.841C>T on transcript NM_001048174.2 (MANE Select); coding-DNA position 841, C replaced by T.
Protein change: p.Arg281Cys; replaces arginine 281 with cysteine.
Molecular consequence: missense variant. On other transcripts: non-coding transcript variant (2).
Genome position (GRCh38, 1-based): chr1:45,332,174, G>A on the plus strand (C>T on the coding strand, the complement: MUTYH is on the minus strand). VCF-style: chr1-45332174-G-A. GRCh37 (hg19) VCF-style: chr1-45797846-G-A.
Other names: p.R309C:CGC>TGC; c.841C>T (NM_001048174.1); c.841C>T, p.Arg281Cys (NM_001048171.2, NM_001048173.2, NM_001293195.2); c.844C>T, p.Arg282Cys (NM_001048172.2); c.925C>T, p.Arg309Cys (NM_001128425.2); c.886C>T, p.Arg296Cys (NM_001293190.2); c.874C>T, p.Arg292Cys (NM_001293191.2); c.565C>T, p.Arg189Cys (NM_001293192.2, NM_001293196.2); and 2 more; short protein forms R309C, R295C, R189C, R296C, R166C, R281C, R306C, R282C.
Identifiers: ClinVar variation 41765 (VCV000041765.107), dbSNP rs138089183, ClinGen allele CA011853.
Genomic context (GRCh38, chr1:45,332,174, plus strand): 5'-GGGCAGAGTCACTCCTTAGGACTTCTCACTGCCCCTTCCCCAGTAGGCTTACTCTCTGGC[G>A]TGCCCGGCACAGGCTCTCCACAGGGCACTGGCTGCACAGTGGGCGCTGTGGGGTACACAC-3'
Protein context (NP_001041639.1, residues 271-291): QCPVESLCRA[Arg281Cys]QRVEQEQLLA

ClinVar aggregate classification (germline): Conflicting classifications of pathogenicity. Review status: criteria provided, conflicting classifications (1 of 4 stars). 27 submissions from 26 submitters: Uncertain significance (19); Likely benign (6). 2 of the submissions do not count toward it. Last evaluated 2026-09-04.

Conditions:
Familial colorectal cancer type X. Identifiers: Orphanet 440437, MedGen C3896578, MONDO:0018604.
Familial adenomatous polyposis 2. Also called: MUTYH Polyposis; FAP type 2; MUTYH-associated polyposis; MUTYH-related attenuated familial adenomatous polyposis; MYH-associated polyposis; Adenomas, multiple colorectal. Identifiers: Orphanet 220460, Orphanet 247798, MedGen C3272841, MONDO:0012041, OMIM 608456.
Gastric cancer. Also called: Stomach cancer; Malignant tumor of stomach. Identifiers: MedGen C0024623, MeSH D013274, MONDO:0001056, OMIM 613659, HP:0012126.
MUTYH-related disorder. Also called: MUTYH-related condition; MUTYH-related disorders.
Hereditary cancer. Identifiers: MedGen C1333600.
Hereditary cancer-predisposing syndrome. Also called: Tumor predisposition; Neoplastic Syndromes, Hereditary; Hereditary Cancer Syndrome; Hereditary neoplastic syndrome. Identifiers: Orphanet 140162, MedGen C0027672, MeSH D009386, MONDO:0015356.
Pilocytic astrocytoma. Also called: Pilocytic astrocytoma, somatic. Identifiers: Orphanet 251612, MedGen C0334583, MONDO:0016691, HP:0033680.

Allele frequency attached by ClinVar (database versions not stated): ESP Exome Variant Server 0.00054; gnomAD exomes 0.00072 and 0.00045; TOPMed 0.00043; ExAC 0.00044; gnomAD 0.00048 and 0.00051.
gnomAD v4.1: 1,121 of 1,614,204 alleles (0.069%); highest among the groups gnomAD compares: Non-Finnish European, 0.088%; 1 homozygote.

Submissions 1 to 6 of 27:

GeneDx
Classification: Uncertain significance. Last evaluated: 2026-09-04. Review status: criteria provided, single submitter. Criteria: GeneDx Variant Classification Process June 2021. Collection method: clinical testing. Allele origin: germline.
Comment: Observed with MUTYH European founder variants, phase unknown, in individuals with phenotypes consistent with MAP at this laboratory and in the published literature as well as in individuals without MAP at an outside laboratory (PMID: 19394335; ClinVar); Identified as homozygous in two individuals with colorectal cancer whose tumors demonstrated a mutational signature profile which was apparently not characteristic of biallelic MUTYH inactivation (PMID: 35668106); In silico analysis suggests that this missense variant does not alter protein structure/function; Also known as Arg295Cys (c.883C>T), Arg281Cys (c.841C>T), and Arg306Cys (c.916C>T); This variant is associated with the following publications: (PMID: 23507534, 24252905, 16408224, 22297469, 16557584, 20848659, 25820570, 25980754, 21235684, 27829682, 31159747, 25318351, 22703879, 12606733, 12707038, 17949294, 19032956, 19732775, 26377631, 19394335, 27696107, 23605219, 27153395, 28087410, 28108460, 19527492, 15465463, 29684080, 32615015, 34426522, 33471991, 28135145, 28726808, 35545820, 20816984, 16879101, 11160897, 11092888, 35668106, 35534704, 34326862, Bayraktar2023[article], Trasvina-Arenas[2024]Preprint, 37937776, 38566764, 40234396)

PreventionGenetics, part of Exact Sciences
Classification: Uncertain significance for MUTYH-related condition. Last evaluated: 2026-06-26. Review status: criteria provided, single submitter. Criteria: ACMG Guidelines, 2015. Collection method: clinical testing. Allele origin: germline.
Comment: The MUTYH c.925C>T variant is predicted to result in the amino acid substitution p.Arg309Cys. This variant has been identified in individuals with adenomatous polyposis and/or colorectal cancer; in some individuals a second MUTYH variant was also reported or an additional missense variant in PALB2 was identified (Supplementary Table 1, Jones et al. 2009. PubMed ID: 19394335; Supplementary Table 1, Vogt et al. 2009. PubMed ID: 19732775; Nielsen et al. 2009. PubMed ID: 19032956; Sieber et al. 2003. PubMed ID: 12606733; Table 2, Aretz et al. 2006. PubMed ID: 16557584; Subject 1095188515, Table S2, Yurgelun et al. 2015. PubMed ID: 25980754). At least one study identified this variant in individuals with a history of breast cancer, but also at an equal frequency in the unaffected control cohort (Out et al. 2012. PubMed ID: 22297469). Functional studies are conflicting regarding this variant’s impact on MUTYH function. Some studies have revealed this variant does not impact MUTYH glycosylase function in vitro (Table 1, Goto et al. 2010. PubMed ID: 20848659), while others have reported a decrease in enzyme activity, binding activity to damaged DNA, and impaired base excision repair activity (Komine et al. 2015. PubMed ID: 25820570; Brinkmeyer and David. 2015. PubMed ID: 26377631). This variant is reported in 0.091% of alleles in individuals of European (Non-Finnish) descent in gnomAD, and has conflicting interpretations regarding its pathogenicity in ClinVar, ranging from benign to uncertain significance (Variation ID: 41765). At this time, the clinical significance of this variant is uncertain due to the absence of conclusive functional and genetic evidence.

Labcorp Genetics (formerly Invitae), Labcorp
Classification: Likely benign for Familial adenomatous polyposis 2. Last evaluated: 2026-02-02. Review status: criteria provided, single submitter. Criteria: Invitae Variant Classification Sherloc (09022015). Collection method: clinical testing. Allele origin: germline.

Center for Genomic Medicine, Rigshospitalet, Copenhagen University Hospital
Classification: Uncertain significance. Last evaluated: 2025-12-29. Review status: criteria provided, single submitter. Criteria: ACMG Guidelines, 2015. Collection method: clinical testing. Allele origin: germline.

Women's Health and Genetics/Laboratory Corporation of America, LabCorp
Classification: Uncertain significance. Last evaluated: 2025-11-11. Review status: criteria provided, single submitter. Criteria: LabCorp Variant Classification Summary - May 2015. Collection method: clinical testing. Allele origin: germline.
Comment: Variant summary: MUTYH c.925C>T (p.Arg309Cys) results in a non-conservative amino acid change in the encoded protein sequence. Algorithms developed to predict the effect of missense changes on protein structure and function are either unavailable or do not agree on the potential impact of this missense change. The variant allele was found at a frequency of 0.00048 in 254474 control chromosomes. This frequency is not significantly higher than estimated for a pathogenic variant in MUTYH causing MUTYH-Associated Polyposis (0.00048 vs 0.0046), allowing no conclusion about variant significance. c.925C>T has been reported in the literature among individuals affected with APC-negative adenomatous polyposis, colorectal cancer, gastric cancer, those with a personal and/or family history of breast cancer, or with other tumor phenotypes, without strong evidence for causality (e.g. Bhai_2021, deOliveira_2022, Bedics_2022, Aretz_2006, Niessen_2006, Halford_2003, Calvello_2023, Martin_2024). Thus, these report(s) do not provide unequivocal conclusions about association of the variant with MUTYH-Associated Polyposis. Several publications have reported conflicting experimental evidence evaluating an impact on protein function. Multiple studies showed discordant results for adenine glycosylase activity, with values similar to the wild-type enzyme (Goto_2010) while another report demonstrated low fractions of active enzyme, compromised affinity for damaged DNA and reduced rates for adeninine excision (Brinkmeyer_2015). The variant did not affect binding of MUTYH with the Hus1 subunit of the 9-1-1 heterotrimeric complex, Rad9-Hus1-Rad1, which is thought to stimulate the glycosylase activity of the protein (Brinkmeyer_2015). Lastly, a complementation assay evaluating the functional deficiency in the E Coli by monitoring spontaneous mutation rates showed a partially defective activity (Komine_2015). The following publications have been ascertained in the context of this evaluation (PMID: 16557584, 35545820, 34326862, 26377631, 37239438, 28726808, 15465463, 20848659, 12707038, 22703879, 25820570, 38566764, 27153395, 19032956, 16408224, 17949294, 22297469, 27829682, 27696107, 32615015, 12606733, 31159747, 19732775, 28135145, 35534704). ClinVar contains an entry for this variant (Variation ID: 41765). Based on the evidence outlined above, the variant was classified as uncertain significance.

Quest Diagnostics Nichols Institute San Juan Capistrano
Classification: Uncertain significance. Last evaluated: 2025-11-03. Review status: criteria provided, single submitter. Criteria: Quest Diagnostics criteria. Collection method: clinical testing. Allele origin: unknown.
Comment: The MUTYH c.925C>T (p.Arg309Cys) variant has been reported in the published literature in individuals affected with breast cancer (PMID: 35534704 (2022), 33471991 (2021), 31159747 (2019)), pancreatic cancer (PMID: 28726808 (2018)), colorectal cancer (PMID: 35668106 (2022), 28135145 (2017), 16408224 (2006), 12707038 (2003) 12606733 (2003)), MUTYH-associated polyposis (MAP) (PMID: 19732775 (2009)), familial adenomatous polyposis (FAP) (PMID: 17949294 (2007)), pediatric high-grade diffuse glioma (PMID: 35545820 (2022)), and in reportedly unaffected individuals (PMID: 33471991 (2021), 22703879 (2012)). Functional studies have reported conflicting accounts that this variant has no effect or a partial defect on MUTYH glycosylase activity and function (PMID: 20848659 (2010), 26377631 (2015), 25820570 (2015)). The frequency of this variant in the general population (Genome Aggregation Database) is uninformative in the assessment of its pathogenicity. Analysis of this variant using bioinformatics tools for the prediction of the effect of amino acid changes on protein structure and function yielded conflicting predictions that this variant is benign or damaging. Based on the available information, we are unable to determine the clinical significance of this variant.